The following is an entry in ClinVar:

NM_000059.4(BRCA2):c.6419G>T (p.Gly2140Val)

Gene: BRCA2 (BRCA2 DNA repair associated; plus strand). Cytogenetic location: 13q13.1.
Variant type: single nucleotide variant.
Coding change: c.6419G>T on transcript NM_000059.4 (MANE Select); coding-DNA position 6419, G replaced by T.
Protein change: p.Gly2140Val; replaces glycine 2140 with valine.
Molecular consequence: missense variant.
Genome position (GRCh38, 1-based): chr13:32,340,774, G>T. VCF-style: chr13-32340774-G-T. GRCh37 (hg19) VCF-style: chr13-32914911-G-T.
Other names: short protein forms G2140V.
Identifiers: ClinVar variation 232648 (VCV000232648.8), dbSNP rs876659898, ClinGen allele CA10579693.

ClinVar aggregate classification (germline): Conflicting classifications of pathogenicity. Review status: criteria provided, conflicting classifications (1 of 4 stars). 3 submissions from 3 submitters: Uncertain significance (2); Likely benign (1). Last evaluated 2025-08-13.

Conditions:
Hereditary breast ovarian cancer syndrome. Also called: Hereditary breast and ovarian cancer syndrome; BRCA1- and BRCA2-Associated Hereditary Breast and Ovarian Cancer; Breast and ovarian cancer; Hereditary breast and/or ovarian cancer syndrome; Hereditary breast and ovarian cancer; Hereditary breast and ovarian cancer syndrome (HBOC). Identifiers: Orphanet 145, MedGen C0677776, MeSH D061325, MONDO:0003582. Disease mechanism: loss of function.
Hereditary cancer-predisposing syndrome. Also called: Neoplastic Syndromes, Hereditary; Tumor predisposition; Hereditary Cancer Syndrome; Hereditary neoplastic syndrome. Identifiers: Orphanet 140162, MedGen C0027672, MeSH D009386, MONDO:0015356.

Allele frequency attached by ClinVar (database versions not stated): gnomAD exomes below 0.00001.
gnomAD v4.1: 1 of 1,595,038 alleles (0.000063%); highest among the groups gnomAD compares: South Asian, 0.0011%; no homozygotes.

Submissions (3):

Labcorp Genetics (formerly Invitae), Labcorp
Classification: Uncertain significance for Hereditary breast ovarian cancer syndrome. Last evaluated: 2025-08-13. Review status: criteria provided, single submitter. Criteria: Invitae Variant Classification Sherloc (09022015). Collection method: clinical testing. Allele origin: germline.
Comment: This sequence change replaces glycine, which is neutral and non-polar, with valine, which is neutral and non-polar, at codon 2140 of the BRCA2 protein (p.Gly2140Val). This variant is not present in population databases (gnomAD no frequency). This variant has not been reported in the literature in individuals affected with BRCA2-related conditions. ClinVar contains an entry for this variant (Variation ID: 232648). Invitae Evidence Modeling of protein sequence and biophysical properties (such as structural, functional, and spatial information, amino acid conservation, physicochemical variation, residue mobility, and thermodynamic stability) indicates that this missense variant is not expected to disrupt BRCA2 protein function with a negative predictive value of 95%. In summary, the available evidence is currently insufficient to determine the role of this variant in disease. Therefore, it has been classified as a Variant of Uncertain Significance.

University of Washington Department of Laboratory Medicine, University of Washington
Classification: Likely benign for Hereditary cancer-predisposing syndrome. Last evaluated: 2023-03-23. Review status: criteria provided, single submitter. Criteria: Dines et al. (Genet Med. 2020). Collection method: curation. Allele origin: germline.
Comment: Missense variant in a coldspot region where missense variants are very unlikely to be pathogenic (PMID:31911673).

BRCA2 exon 11 coldspot. Reclassification based on statistical prior probability.

Ambry Genetics
Classification: Uncertain significance for Hereditary cancer-predisposing syndrome. Last evaluated: 2015-06-28. Review status: criteria provided, single submitter. Criteria: Ambry Variant Classification Scheme 2023. Collection method: clinical testing. Allele origin: germline.
Comment: The p.G2140V variant (also known as c.6419G>T and 6647G>T), located in coding exon 10 of the BRCA2 gene, results from a G to T substitution at nucleotide position 6419. The glycine at codon 2140 is replaced by valine, an amino acid with dissimilar properties. This variant was not reported in population based cohorts in the following databases: Database of Single Nucleotide Polymorphisms (dbSNP), NHLBI Exome Sequencing Project (ESP), and 1000 Genomes Project. In the ESP, this variant was not observed in 6494 samples (12988 alleles) with coverage at this position. To date, this alteration has been detected with an allele frequency of approximately 0.001% (greater than 150000 alleles tested) in our clinical cohort. This amino acid position is poorly conserved in available vertebrate species. In addition, this alteration is predicted to be tolerated by in silico analysis. Since supporting evidence is limited at this time, the clinical significance of p.G2140V remains unclear.